The following is an entry in ClinVar:

ClinVar aggregate classification (germline): Uncertain significance (1 of 4 stars; one submission).

Allele frequency attached by ClinVar (database versions not stated): TOPMed below 0.00001; gnomAD 0.00001; gnomAD exomes 0.00001; ExAC 0.00002.
gnomAD v4.1: 17 of 1,613,990 alleles (0.0011%); highest among the groups gnomAD compares: Non-Finnish European, 0.00034%; no homozygotes.

Submission:

Labcorp Genetics (formerly Invitae), Labcorp
Classification: Uncertain significance. Last evaluated: 2023-08-14. Review status: criteria provided, single submitter. Criteria: Invitae Variant Classification Sherloc (09022015). Collection method: clinical testing. Allele origin: germline.
Comment: Advanced modeling of protein sequence and biophysical properties (such as structural, functional, and spatial information, amino acid conservation, physicochemical variation, residue mobility, and thermodynamic stability) performed at Invitae indicates that this missense variant is not expected to disrupt KMT2A protein function. In summary, the available evidence is currently insufficient to determine the role of this variant in disease. Therefore, it has been classified as a Variant of Uncertain Significance. This variant has not been reported in the literature in individuals affected with KMT2A-related conditions. This sequence change replaces arginine, which is basic and polar, with glycine, which is neutral and non-polar, at codon 817 of the KMT2A protein (p.Arg817Gly). This variant is present in population databases (rs782667502, gnomAD 0.02%).

NM_001197104.2(KMT2A):c.2449A>G (p.Arg817Gly)

Gene: KMT2A (lysine methyltransferase 2A; plus strand). Cytogenetic location: 11q23.3.
Variant type: single nucleotide variant.
Coding change: c.2449A>G on transcript NM_001197104.2 (MANE Select); coding-DNA position 2449, A replaced by G.
Protein change: p.Arg817Gly; replaces arginine 817 with glycine.
Molecular consequence: missense variant.
Genome position (GRCh38, 1-based): chr11:118,473,608, A>G. VCF-style: chr11-118473608-A-G. GRCh37 (hg19) VCF-style: chr11-118344323-A-G.
Other names: c.2548A>G, p.Arg850Gly (NM_001412597.1); c.2449A>G, p.Arg817Gly (NM_005933.4); short protein forms R850G, R817G.
Identifiers: ClinVar variation 2831123 (VCV002831123.3), dbSNP rs782667502, ClinGen allele CA6303513.